The following is an entry in ClinVar:

NM_022455.5(NSD1):c.5033G>C (p.Gly1678Ala)

Gene: NSD1 (nuclear receptor binding SET domain protein 1; plus strand). Cytogenetic location: 5q35.3.
Variant type: single nucleotide variant.
Coding change: c.5033G>C on transcript NM_022455.5 (MANE Select); coding-DNA position 5033, G replaced by C.
Protein change: p.Gly1678Ala; replaces glycine 1678 with alanine.
Molecular consequence: missense variant.
Genome position (GRCh38, 1-based): chr5:177,260,055, G>C. VCF-style: chr5-177260055-G-C. GRCh37 (hg19) VCF-style: chr5-176687056-G-C.
Other names: c.4160G>C, p.Gly1387Ala (NM_001365684.2, NM_001409308.1, NM_001409309.1 and 1 more transcripts); c.5033G>C, p.Gly1678Ala (NM_001409301.1, NM_001409302.1, NM_001409303.1); c.4613G>C, p.Gly1538Ala (NM_001409304.1); c.4280G>C, p.Gly1427Ala (NM_001409305.1); c.4271G>C, p.Gly1424Ala (NM_001409306.1, NM_001409307.1); short protein forms G1387A, G1409A, G1678A, G1538A, G1427A, G1424A.
Identifiers: ClinVar variation 1938885 (VCV001938885.5), dbSNP rs2480679073, ClinGen allele CA362302911.

ClinVar aggregate classification (germline): Uncertain significance (1 of 4 stars; one submission).

Submission:

Labcorp Genetics (formerly Invitae), Labcorp
Classification: Uncertain significance. Last evaluated: 2022-04-11. Review status: criteria provided, single submitter. Criteria: Invitae Variant Classification Sherloc (09022015). Collection method: clinical testing. Allele origin: germline.
Comment: This variant is not present in population databases (gnomAD no frequency). This sequence change replaces glycine, which is neutral and non-polar, with alanine, which is neutral and non-polar, at codon 1678 of the NSD1 protein (p.Gly1678Ala). In summary, the available evidence is currently insufficient to determine the role of this variant in disease. Therefore, it has been classified as a Variant of Uncertain Significance. Advanced modeling of protein sequence and biophysical properties (such as structural, functional, and spatial information, amino acid conservation, physicochemical variation, residue mobility, and thermodynamic stability) performed at Invitae indicates that this missense variant is expected to disrupt NSD1 protein function. This variant has not been reported in the literature in individuals affected with NSD1-related conditions.